The following is an entry in ClinVar:

NM_022124.6(CDH23):c.2158C>T (p.Arg720Trp)

Gene: CDH23 (cadherin related 23; plus strand). Cytogenetic location: 10q22.1.
Variant type: single nucleotide variant.
Coding change: c.2158C>T on transcript NM_022124.6 (MANE Select); coding-DNA position 2158, C replaced by T.
Protein change: p.Arg720Trp; replaces arginine 720 with tryptophan.
Molecular consequence: missense variant.
Genome position (GRCh38, 1-based): chr10:71,690,566, C>T. VCF-style: chr10-71690566-C-T. GRCh37 (hg19) VCF-style: chr10-73450323-C-T.
Other names: c.2158C>T, p.Arg720Trp (NM_001171930.2, NM_001171931.2); short protein forms R720W.
Identifiers: ClinVar variation 1313176 (VCV001313176.3), dbSNP rs746487992, ClinGen allele CA5544104.

ClinVar aggregate classification (germline): Uncertain significance (1 of 4 stars; one submission).

Allele frequency attached by ClinVar (database versions not stated): gnomAD exomes below 0.00001 and 0.00001; ExAC 0.00001; gnomAD 0.00001; TOPMed 0.00001.
gnomAD v4.1: 11 of 1,603,440 alleles (0.00069%); highest among the groups gnomAD compares: South Asian, 0.0045%; no homozygotes.

Submission:

GeneDx
Classification: Uncertain significance. Last evaluated: 2024-12-16. Review status: criteria provided, single submitter. Criteria: GeneDx Variant Classification Process June 2021. Collection method: clinical testing. Allele origin: germline. Affected: yes.
Comment: Not observed at significant frequency in large population cohorts (gnomAD); In silico analysis supports that this missense variant has a deleterious effect on protein structure/function; Has not been previously published as pathogenic or benign to our knowledge